The following is an entry in ClinVar:

ClinVar aggregate classification (germline): Likely benign (1 of 4 stars; one submission).

Conditions:
AFF3-related disorder. Also called: AFF3-related condition.

gnomAD v4.1: 39 of 1,614,100 alleles (0.0024%); highest among the groups gnomAD compares: East Asian, 0.022%; no homozygotes.

Submission:

PreventionGenetics, part of Exact Sciences
Classification: Likely benign for AFF3-related condition. Last evaluated: 2025-01-12. Review status: criteria provided, single submitter. Criteria: ACMG Guidelines, 2015. Collection method: clinical testing. Allele origin: germline.
Comment: This variant is classified as likely benign based on ACMG/AMP sequence variant interpretation guidelines (Richards et al. 2015 PMID: 25741868, with internal and published modifications).

NM_001386135.1(AFF3):c.472G>A (p.Gly158Ser)

Gene: AFF3 (ALF transcription elongation factor 3; minus strand). Cytogenetic location: 2q11.2.
Variant type: single nucleotide variant.
Coding change: c.472G>A on transcript NM_001386135.1 (MANE Select); coding-DNA position 472, G replaced by A.
Protein change: p.Gly158Ser; replaces glycine 158 with serine.
Molecular consequence: missense variant.
Genome position (GRCh38, 1-based): chr2:100,007,163, C>T on the plus strand (G>A on the coding strand, the complement: AFF3 is on the minus strand). VCF-style: chr2-100007163-C-T. GRCh37 (hg19) VCF-style: chr2-100623625-C-T.
Other names: c.547G>A, p.Gly183Ser (NM_001025108.2); c.472G>A, p.Gly158Ser (NM_002285.3); short protein forms G158S, G183S.
Identifiers: ClinVar variation 4979941 (VCV004979941.1).